The following is an entry in ClinVar:

ClinVar aggregate classification (germline): Uncertain significance (1 of 4 stars; one submission).

Submission:

Labcorp Genetics (formerly Invitae), Labcorp
Classification: Uncertain significance. Last evaluated: 2022-09-08. Review status: criteria provided, single submitter. Criteria: Invitae Variant Classification Sherloc (09022015). Collection method: clinical testing. Allele origin: germline.
Comment: This variant is not present in population databases (gnomAD no frequency). This variant has not been reported in the literature in individuals affected with FBXO11-related conditions. Variants that disrupt the consensus splice site are a relatively common cause of aberrant splicing (PMID: 17576681, 9536098). Algorithms developed to predict the effect of sequence changes on RNA splicing suggest that this variant is not likely to affect RNA splicing. In summary, the available evidence is currently insufficient to determine the role of this variant in disease. Therefore, it has been classified as a Variant of Uncertain Significance. This sequence change falls in intron 3 of the FBXO11 gene. It does not directly change the encoded amino acid sequence of the FBXO11 protein. It affects a nucleotide within the consensus splice site.

Literature cited by the submitters: PubMed 17576681; PubMed 9536098.

NM_001190274.2(FBXO11):c.442+5T>A

Gene: FBXO11 (F-box protein 11; minus strand). Cytogenetic location: 2p16.3.
Variant type: single nucleotide variant.
Coding change: c.442+5T>A on transcript NM_001190274.2 (MANE Select); 5 bases into the intron after coding-DNA position 442, T replaced by A.
Molecular consequence: intron variant.
Genome position (GRCh38, 1-based): chr2:47,839,414, A>T on the plus strand (T>A on the coding strand, the complement: FBXO11 is on the minus strand). VCF-style: chr2-47839414-A-T. GRCh37 (hg19) VCF-style: chr2-48066553-A-T.
Other names: c.190+5T>A (NM_001374325.1, NM_025133.4).
Identifiers: ClinVar variation 2029552 (VCV002029552.4), dbSNP rs2531259466, ClinGen allele CA2580067099.